The following is an entry in ClinVar:

NM_000321.3(RB1):c.907C>T (p.Leu303Phe)

Gene: RB1 (RB transcriptional corepressor 1; plus strand). Cytogenetic location: 13q14.2.
Variant type: single nucleotide variant.
Coding change: c.907C>T on transcript NM_000321.3 (MANE Select); coding-DNA position 907, C replaced by T.
Protein change: p.Leu303Phe; replaces leucine 303 with phenylalanine.
Molecular consequence: missense variant.
Genome position (GRCh38, 1-based): chr13:48,364,939, C>T. VCF-style: chr13-48364939-C-T. GRCh37 (hg19) VCF-style: chr13-48939075-C-T.
Other names: c.907C>T, p.Leu303Phe (NM_001407165.1, NM_001407166.1); short protein forms L303F.
Identifiers: ClinVar variation 1765700 (VCV001765700.2), dbSNP rs1411089830, ClinGen allele CA388160001.

ClinVar aggregate classification (germline): Uncertain significance (1 of 4 stars; one submission).

Conditions:
Hereditary cancer-predisposing syndrome. Also called: Neoplastic Syndromes, Hereditary; Tumor predisposition; Hereditary Cancer Syndrome; Hereditary neoplastic syndrome. Identifiers: Orphanet 140162, MedGen C0027672, MeSH D009386, MONDO:0015356.

gnomAD v4.1: 1 of 1,571,098 alleles (0.000064%); no homozygotes.

Submission:

Ambry Genetics
Classification: Uncertain significance for Hereditary cancer-predisposing syndrome. Last evaluated: 2022-09-14. Review status: criteria provided, single submitter. Criteria: Ambry Variant Classification Scheme 2023. Collection method: clinical testing. Allele origin: germline.
Comment: The p.L303F variant (also known as c.907C>T), located in coding exon 9 of the RB1 gene, results from a C to T substitution at nucleotide position 907. The leucine at codon 303 is replaced by phenylalanine, an amino acid with highly similar properties. This amino acid position is well conserved in available vertebrate species. In addition, the in silico prediction for this alteration is inconclusive. Since supporting evidence is limited at this time, the clinical significance of this alteration remains unclear.